The following is an entry in ClinVar:

ClinVar aggregate classification (germline): Uncertain significance (1 of 4 stars; one submission).

Conditions:
Charcot-Marie-Tooth disease type 2J (CMT2J). Also called: CHARCOT-MARIE-TOOTH DISEASE, TYPE 2, WITH HEARING LOSS AND PUPILLARY ABNORMALITIES; CHARCOT-MARIE-TOOTH NEUROPATHY, TYPE 2J; CHARCOT-MARIE-TOOTH DISEASE, AXONAL, TYPE 2J. Identifiers: Orphanet 99943, MedGen C1843153, MONDO:0011903, OMIM 607736.

Submission:

3billion
Classification: Uncertain significance for Charcot-Marie-Tooth disease type 2J. Last evaluated: 2023-10-23. Review status: criteria provided, single submitter. Criteria: ACMG Guidelines, 2015. Collection method: clinical testing. Allele origin: germline. Affected: yes.
Comment: The variant is not observed in the gnomAD v2.1.1 dataset. A different missense change at the same codon (p.Gly40Asp) has been reported to be associated with MPZ-related disorder (PMID: 34060176). Therefore, this variant is classified as VUS according to the recommendation of ACMG/AMP guideline.

Literature cited by the submitters: PubMed 34060176.

NM_000530.8(MPZ):c.118_119delinsCT (p.Gly40Leu)

Gene: MPZ (myelin protein zero; minus strand). Cytogenetic location: 1q23.3.
Variant type: Indel.
Coding change: c.118_119delinsCT on transcript NM_000530.8 (MANE Select); coding-DNA positions 118 to 119, GG replaced by CT.
Protein change: p.Gly40Leu; replaces glycine 40 with leucine.
Molecular consequence: missense variant.
Genome position (GRCh38, 1-based): chr1:161,307,373-161,307,374, CC replaced by AG on the plus strand (GG replaced by CT on the coding strand, the reverse complement: MPZ is on the minus strand). VCF-style: chr1-161307373-CC-AG. GRCh37 (hg19) VCF-style: chr1-161277163-CC-AG.
Other names: c.118_119delinsCT, p.Gly40Leu (NM_001315491.2); short protein forms G40L.
Identifiers: ClinVar variation 3775323 (VCV003775323.1).